The following is an entry in ClinVar:

ClinVar aggregate classification (germline): Conflicting classifications of pathogenicity. Review status: criteria provided, conflicting classifications (1 of 4 stars). 2 submissions from 2 submitters: Uncertain significance (1); Benign (1). Last evaluated 2025-12-17.

Conditions:
Hereditary cancer-predisposing syndrome. Also called: Hereditary neoplastic syndrome; Tumor predisposition; Neoplastic Syndromes, Hereditary; Hereditary Cancer Syndrome. Identifiers: Orphanet 140162, MedGen C0027672, MeSH D009386, MONDO:0015356.

Submissions (2):

Ambry Genetics
Classification: Benign for Hereditary cancer-predisposing syndrome. Last evaluated: 2025-12-17. Review status: criteria provided, single submitter. Criteria: Ambry Variant Classification Scheme 2023. Collection method: clinical testing. Allele origin: germline.

Color Diagnostics, LLC DBA Color Health
Classification: Uncertain significance for Hereditary cancer-predisposing syndrome. Last evaluated: 2021-03-01. Review status: criteria provided, single submitter. Criteria: ACMG Guidelines, 2015. Collection method: clinical testing. Allele origin: germline.
Comment: This missense variant replaces lysine with arginine at codon 177 of the ATM protein. Computational prediction suggests that this variant may not impact protein structure and function (internally defined REVEL score threshold <= 0.5, PMID: 27666373). To our knowledge, functional studies have not been reported for this variant. This variant has not been reported in individuals affected with hereditary cancer in the literature. This variant has not been identified in the general population by the Genome Aggregation Database (gnomAD). The available evidence is insufficient to determine the role of this variant in disease conclusively. Therefore, this variant is classified as a Variant of Uncertain Significance.

Literature cited by the submitters: PubMed 40580951 (cited by Ambry Genetics).

NM_000051.4(ATM):c.530A>G (p.Lys177Arg)

Gene: ATM (ATM serine/threonine kinase; plus strand). Cytogenetic location: 11q22.3.
Variant type: single nucleotide variant.
Coding change: c.530A>G on transcript NM_000051.4 (MANE Select); coding-DNA position 530, A replaced by G.
Protein change: p.Lys177Arg; replaces lysine 177 with arginine.
Molecular consequence: missense variant.
Genome position (GRCh38, 1-based): chr11:108,243,986, A>G. VCF-style: chr11-108243986-A-G. GRCh37 (hg19) VCF-style: chr11-108114713-A-G.
Other names: c.530A>G, p.Lys177Arg (NM_001351834.2); short protein forms K177R.
Identifiers: ClinVar variation 1331909 (VCV001331909.3), dbSNP rs2135222838, ClinGen allele CA382527582.
Genomic context (GRCh38, chr11:108,243,986, plus strand): 5'-GACTAATAATTTTTTTTTTTTTTTAAGAATTGTTCTCTGTGTACTTCAGGCTCTATCTGA[A>G]ACCTTCACAAGATGTTCATAGAGTTTTAGTGGCTAGAATAATTCATGCTGTTACCAAAGG-3'
Protein context (NP_000042.3, residues 167-187): LFSVYFRLYL[Lys177Arg]PSQDVHRVLV